The following is an entry in ClinVar:

ClinVar aggregate classification (germline): Uncertain significance. Review status: criteria provided, multiple submitters, no conflicts (2 of 4 stars). 2 submissions from 2 submitters: Uncertain significance (2). Last evaluated 2024-11-05.

Conditions:
Inborn genetic diseases. Identifiers: MedGen C0950123, MeSH D030342.
Combined immunodeficiency due to MALT1 deficiency. Also called: Immunodeficiency 12. Identifiers: Orphanet 397964, MedGen C3809583, MONDO:0014197, OMIM 615468.

Allele frequency attached by ClinVar (database versions not stated): TOPMed 0.00003; gnomAD 0.00005 and 0.00006.
gnomAD v4.1: 27 of 1,246,208 alleles (0.0022%); highest among the groups gnomAD compares: Non-Finnish European, 0.0027%; no homozygotes.

Submissions (2):

Labcorp Genetics (formerly Invitae), Labcorp
Classification: Uncertain significance for Combined immunodeficiency due to MALT1 deficiency. Last evaluated: 2024-11-05. Review status: criteria provided, single submitter. Criteria: Invitae Variant Classification Sherloc (09022015). Collection method: clinical testing. Allele origin: germline.
Comment: This sequence change replaces arginine, which is basic and polar, with glutamine, which is neutral and polar, at codon 52 of the MALT1 protein (p.Arg52Gln). This variant is present in population databases (no rsID available, gnomAD 0.02%). This variant has not been reported in the literature in individuals affected with MALT1-related conditions. ClinVar contains an entry for this variant (Variation ID: 648565). An algorithm developed to predict the effect of missense changes on protein structure and function (PolyPhen-2) suggests that this variant¬†is likely to be tolerated. In summary, the available evidence is currently insufficient to determine the role of this variant in disease. Therefore, it has been classified as a Variant of Uncertain Significance.

Ambry Genetics
Classification: Uncertain significance for Inborn genetic diseases. Last evaluated: 2022-06-24. Review status: criteria provided, single submitter. Criteria: Ambry Variant Classification Scheme 2023. Collection method: clinical testing. Allele origin: germline.

NM_006785.4(MALT1):c.155G>A (p.Arg52Gln)

Genes: MALT1 (MALT1 paracaspase; plus strand), MALT1-AS1 (MALT1 antisense RNA 1; minus strand), LOC130062586 (ATAC-STARR-seq lymphoblastoid silent region 9487; plus strand). Cytogenetic location: 18q21.32.
Variant type: single nucleotide variant.
Coding change: c.155G>A on transcript NM_006785.4 (MANE Select); coding-DNA position 155, G replaced by A.
Protein change: p.Arg52Gln; replaces arginine 52 with glutamine.
Molecular consequence: missense variant. On other transcripts: non-coding transcript variant (1).
Genome position (GRCh38, 1-based): chr18:58,671,798, G>A. VCF-style: chr18-58671798-G-A. GRCh37 (hg19) VCF-style: chr18-56339030-G-A.
Other names: c.155G>A, p.Arg52Gln (NM_173844.3); short protein forms R52Q.
Identifiers: ClinVar variation 648565 (VCV000648565.10), dbSNP rs893459894, ClinGen allele CA300934690.
Genomic context (GRCh38, chr18:58,671,798, plus strand): 5'-GCCTGCGGGAGCCGCTGCTGCGGAGGCTCAGCGAGCTCCTGGATCAGGCGCCCGAGGGCC[G>A]GGGCTGGAGGAGACTGGCGGAGCTGGCGGGGAGTCGCGGGCGCCTCCGCCTCAGGTGAGC-3'
Protein context (NP_006776.1, residues 42-62): SELLDQAPEG[Arg52Gln]GWRRLAELAG